The following is an entry in ClinVar:

ClinVar aggregate classification (germline): Uncertain significance (1 of 4 stars; one submission).

Conditions:
Hereditary cancer-predisposing syndrome. Also called: Neoplastic Syndromes, Hereditary; Tumor predisposition; Hereditary neoplastic syndrome; Hereditary Cancer Syndrome. Identifiers: Orphanet 140162, MedGen C0027672, MeSH D009386, MONDO:0015356.

Submission:

Ambry Genetics
Classification: Uncertain significance for Hereditary cancer-predisposing syndrome. Last evaluated: 2023-12-18. Review status: criteria provided, single submitter. Criteria: Ambry Variant Classification Scheme 2023. Collection method: clinical testing. Allele origin: germline.
Comment: The p.Q699K variant (also known as c.2095C>A), located in coding exon 10 of the BRCA2 gene, results from a C to A substitution at nucleotide position 2095. The glutamine at codon 699 is replaced by lysine, an amino acid with similar properties. This amino acid position is not well conserved in available vertebrate species. In addition, this alteration is predicted to be tolerated by in silico analysis. Since supporting evidence is limited at this time, the clinical significance of this alteration remains unclear.

NM_000059.4(BRCA2):c.2095C>A (p.Gln699Lys)

Gene: BRCA2 (BRCA2 DNA repair associated; plus strand). Cytogenetic location: 13q13.1.
Variant type: single nucleotide variant.
Coding change: c.2095C>A on transcript NM_000059.4 (MANE Select); coding-DNA position 2095, C replaced by A.
Protein change: p.Gln699Lys; replaces glutamine 699 with lysine.
Molecular consequence: missense variant. On other transcripts: non-coding transcript variant (1), intron variant (2).
Genome position (GRCh38, 1-based): chr13:32,336,450, C>A. VCF-style: chr13-32336450-C-A. GRCh37 (hg19) VCF-style: chr13-32910587-C-A.
Other names: c.2095C>A, p.Gln699Lys (NM_001406719.1, NM_001406720.1); c.1909+3063C>A (NM_001406721.1); c.424+5420C>A (NM_001406722.1); short protein forms Q699K.
Identifiers: ClinVar variation 3225666 (VCV003225666.1), dbSNP rs878853559, ClinGen allele CA387769191.